The following is an entry in ClinVar:

NM_006269.2(RP1):c.3733T>C (p.Cys1245Arg)

Gene: RP1 (RP1 axonemal microtubule associated; plus strand). Cytogenetic location: 8q12.1.
Variant type: single nucleotide variant.
Coding change: c.3733T>C on transcript NM_006269.2 (MANE Select); coding-DNA position 3733, T replaced by C.
Protein change: p.Cys1245Arg; replaces cysteine 1245 with arginine.
Molecular consequence: missense variant. On other transcripts: intron variant (1).
Genome position (GRCh38, 1-based): chr8:54,627,615, T>C. VCF-style: chr8-54627615-T-C. GRCh37 (hg19) VCF-style: chr8-55540175-T-C.
Other names: c.787+5327T>C (NM_001375654.1); short protein forms C1245R.
Identifiers: ClinVar variation 4764559 (VCV004764559.2).

ClinVar aggregate classification (germline): Uncertain significance. Review status: criteria provided, multiple submitters, no conflicts (2 of 4 stars). 2 submissions from 2 submitters: Uncertain significance (2). Last evaluated 2025-11-18.

gnomAD v4.1: 2 of 1,614,220 alleles (0.00012%); highest among the groups gnomAD compares: Non-Finnish European, 0.00017%; no homozygotes.

Submissions (2):

Labcorp Genetics (formerly Invitae), Labcorp
Classification: Uncertain significance. Last evaluated: 2025-11-18. Review status: criteria provided, single submitter. Criteria: Invitae Variant Classification Sherloc (09022015). Collection method: clinical testing. Allele origin: germline.
Comment: This sequence change replaces cysteine, which is neutral and slightly polar, with arginine, which is basic and polar, at codon 1245 of the RP1 protein (p.Cys1245Arg). This variant is not present in population databases (gnomAD no frequency). This variant has not been reported in the literature in individuals affected with RP1-related conditions. An algorithm developed to predict the effect of missense changes on protein structure and function (PolyPhen-2) suggests that this variant is likely to be disruptive. In summary, the available evidence is currently insufficient to determine the role of this variant in disease. Therefore, it has been classified as a Variant of Uncertain Significance.

Blueprint Genetics
Classification: Uncertain significance. Last evaluated: 2019-01-18. Review status: criteria provided, single submitter. Criteria: ACMG Guidelines, 2015. Collection method: clinical testing. Allele origin: germline.